The following is an entry in ClinVar:

ClinVar aggregate classification (germline): Pathogenic (1 of 4 stars; one submission).

Conditions:
Nephronophthisis 18 (NPHP18). Identifiers: Orphanet 655, MedGen C3890591, MONDO:0014374, OMIM 615862.

Submission:

Labcorp Genetics (formerly Invitae), Labcorp
Classification: Pathogenic for Nephronophthisis 18. Last evaluated: 2023-08-02. Review status: criteria provided, single submitter. Criteria: Invitae Variant Classification Sherloc (09022015). Collection method: clinical testing. Allele origin: germline.
Comment: This sequence change creates a premature translational stop signal (p.Gln395*) in the CEP83 gene. It is expected to result in an absent or disrupted protein product. Loss-of-function variants in CEP83 are known to be pathogenic (PMID: 23530209, 24882706). This variant is not present in population databases (gnomAD no frequency). This variant has not been reported in the literature in individuals affected with CEP83-related conditions. For these reasons, this variant has been classified as Pathogenic.

Literature cited by the submitters: PubMed 23530209; PubMed 24882706.

NM_016122.3(CEP83):c.1183C>T (p.Gln395Ter)

Gene: CEP83 (centrosomal protein 83; minus strand). Cytogenetic location: 12q22.
Variant type: single nucleotide variant.
Coding change: c.1183C>T on transcript NM_016122.3 (MANE Select); coding-DNA position 1183, C replaced by T.
Protein change: p.Gln395Ter; replaces glutamine 395 with a stop codon.
Molecular consequence: nonsense. On other transcripts: non-coding transcript variant (1).
Genome position (GRCh38, 1-based): chr12:94,368,067, G>A on the plus strand (C>T on the coding strand, the complement: CEP83 is on the minus strand). VCF-style: chr12-94368067-G-A. GRCh37 (hg19) VCF-style: chr12-94761843-G-A.
Other names: c.1183C>T, p.Gln395Ter (NM_001042399.2, NM_001346457.2, NM_001368037.1 and 1 more transcripts); c.871C>T, p.Gln291Ter (NM_001346458.2, NM_001346459.2, NM_001368039.1 and 1 more transcripts); c.958C>T, p.Gln320Ter (NM_001368041.1); short protein forms Q395*, Q291*, Q320*.
Identifiers: ClinVar variation 2721736 (VCV002721736.3), dbSNP rs763560797, ClinGen allele CA386145669.